The following is an entry in ClinVar:

NM_001378778.1(MPDZ):c.3729A>G (p.Ile1243Met)

Gene: MPDZ (multiple PDZ domain crumbs cell polarity complex component; minus strand). Cytogenetic location: 9p23.
Variant type: single nucleotide variant.
Coding change: c.3729A>G on transcript NM_001378778.1 (MANE Select); coding-DNA position 3729, A replaced by G.
Protein change: p.Ile1243Met; replaces isoleucine 1243 with methionine.
Molecular consequence: missense variant. On other transcripts: intron variant (8).
Genome position (GRCh38, 1-based): chr9:13,147,560, T>C on the plus strand (A>G on the coding strand, the complement: MPDZ is on the minus strand). VCF-style: chr9-13147560-T-C. GRCh37 (hg19) VCF-style: chr9-13147559-T-C.
Other names: c.3729A>G, p.Ile1243Met (NM_001261406.2, NM_001261407.2, NM_001330637.2 and 6 more transcripts); c.3630+2951A>G (NM_001375425.1, NM_001375420.1, NM_001375423.1 and 4 more transcripts); c.3432+2951A>G (NM_001375427.1); short protein forms I1243M.
Identifiers: ClinVar variation 3668119 (VCV003668119.2).

ClinVar aggregate classification (germline): Uncertain significance (1 of 4 stars; one submission).

Submission:

Labcorp Genetics (formerly Invitae), Labcorp
Classification: Uncertain significance. Last evaluated: 2024-09-14. Review status: criteria provided, single submitter. Criteria: Invitae Variant Classification Sherloc (09022015). Collection method: clinical testing. Allele origin: germline.
Comment: This sequence change replaces isoleucine, which is neutral and non-polar, with methionine, which is neutral and non-polar, at codon 1243 of the MPDZ protein (p.Ile1243Met). This variant is not present in population databases (gnomAD no frequency). This variant has not been reported in the literature in individuals affected with MPDZ-related conditions. An algorithm developed to predict the effect of missense changes on protein structure and function (PolyPhen-2) suggests that this variant is likely to be disruptive. In summary, the available evidence is currently insufficient to determine the role of this variant in disease. Therefore, it has been classified as a Variant of Uncertain Significance.